The following is an entry in ClinVar:

NM_173653.4(SLC9A9):c.545A>T (p.Tyr182Phe)

Gene: SLC9A9 (solute carrier family 9 member A9; minus strand). Cytogenetic location: 3q24.
Variant type: single nucleotide variant.
Coding change: c.545A>T on transcript NM_173653.4 (MANE Select); coding-DNA position 545, A replaced by T.
Protein change: p.Tyr182Phe; replaces tyrosine 182 with phenylalanine.
Molecular consequence: missense variant.
Genome position (GRCh38, 1-based): chr3:143,693,296, T>A on the plus strand (A>T on the coding strand, the complement: SLC9A9 is on the minus strand). VCF-style: chr3-143693296-T-A. GRCh37 (hg19) VCF-style: chr3-143412138-T-A.
Other names: short protein forms Y182F.
Identifiers: ClinVar variation 1049440 (VCV001049440.1), dbSNP rs368916653, ClinGen allele CA354873387.
Genomic context (GRCh38, chr3:143,693,296, plus strand): 5'-GTGAAATGAAAGTCTCCATTTTTCAGCTGGCCAGCATGTATCATAGCCTTCACAAAACCA[T>A]ACATAATTAACCTGTTGAAGAGAAAAACATGACCTTCAAACATCAAGATGAACCCTGTGT-3'
Protein context (NP_775924.1, residues 172-192): ISCIVIGLIM[Tyr182Phe]GFVKAMIHAG

ClinVar aggregate classification (germline): Uncertain significance (0 of 4 stars; one submission).

gnomAD v4.1: 29 of 1,612,516 alleles (0.0018%); highest among the groups gnomAD compares: African/African-American, 0.012%; 1 homozygote.

Submission:

Department of Pathology and Laboratory Medicine, Sinai Health System
Classification: Uncertain significance. Review status: no assertion criteria provided. Collection method: clinical testing. Allele origin: unknown. Affected: yes. Study: The Canadian Open Genetics Repository (COGR).
Comment: The SLC9A9 p.Tyr182Phe variant was not identified in the literature nor was it identified in ClinVar, Cosmic or LOVD 3.0. The variant was identified in dbSNP (ID: rs368916653) and in control databases in 3 of 282230 chromosomes at a frequency of 0.000011 (Genome Aggregation Database Feb 27, 2017). The variant was observed in the African population in 3 of 24960 chromosomes (freq: 0.00012), but was not observed in the Latino, Ashkenazi Jewish, East Asian, European (Finnish), European (non-Finnish), Other or South Asian populations. The p.Tyr182 residue is not conserved in mammals and four out of five computational analyses (PolyPhen-2, SIFT, AlignGVGD, BLOSUM, MutationTaster) do not suggest a high likelihood of impact to the protein; however, this information is not predictive enough to rule out pathogenicity. The variant occurs outside of the splicing consensus sequence and in silico or computational prediction software programs (SpliceSiteFinder, MaxEntScan, NNSPLICE, GeneSplicer) do not predict a difference in splicing. In summary, based on the above information the clinical significance of this variant cannot be determined with certainty at this time. This variant is classified as a variant of uncertain significance.